The following is an entry in ClinVar:

NM_000466.3(PEX1):c.205C>T (p.Gln69Ter)

Gene: PEX1 (peroxisomal biogenesis factor 1; minus strand). Cytogenetic location: 7q21.2.
Variant type: single nucleotide variant.
Coding change: c.205C>T on transcript NM_000466.3 (MANE Select); coding-DNA position 205, C replaced by T.
Protein change: p.Gln69Ter; replaces glutamine 69 with a stop codon.
Molecular consequence: nonsense. On other transcripts: 5 prime UTR variant (1).
Genome position (GRCh38, 1-based): chr7:92,522,170, G>A on the plus strand (C>T on the coding strand, the complement: PEX1 is on the minus strand). VCF-style: chr7-92522170-G-A. GRCh37 (hg19) VCF-style: chr7-92151484-G-A.
Other names: c.205C>T, p.Gln69Ter (NM_001282677.2); c.-455C>T (NM_001282678.2); short protein forms Q69*.
Identifiers: ClinVar variation 1726455 (VCV001726455.8), dbSNP rs1469341456, ClinGen allele CA368204940.

ClinVar aggregate classification (germline): Pathogenic/Likely pathogenic. Review status: criteria provided, multiple submitters, no conflicts (2 of 4 stars). 4 submissions from 4 submitters: Pathogenic (1); Likely pathogenic (3). Last evaluated 2024-03-01.

Conditions:
Zellweger spectrum disorders (ZS). Also called: Zellweger syndrome; Zellweger Spectrum Disorder (ZSD); Zellweger Spectrum Disorder; Zellweger Spectrum. Identifiers: Orphanet 912, MedGen C0043459, MONDO:0019609.
Heimler syndrome 1 (HMLR1). Also called: PEROXISOME BIOGENESIS DISORDER 1C. Identifiers: Orphanet 3220, MedGen C4551980, OMIM 234580, MONDO:0024544.
Peroxisome biogenesis disorder 1B (PBD1B). Also called: Refsum disease, infantile form; Infantile Refsum disease; Infantile form of phytanic acid storage disease; PEROXISOME BIOGENESIS DISORDER (NEONATAL ADRENOLEUKODYSTROPHY/INFANTILE REFSUM DISEASE); INFANTILE PHYTANIC ACID STORAGE DISEASE; PEROXISOME BIOGENESIS DISORDER (NALD/IRD). Identifiers: Orphanet 44, MedGen C0282527, MONDO:0011101, OMIM 601539.
Peroxisome biogenesis disorder 1A (Zellweger) (PBD1A). Also called: Peroxisome biogenesis disorder 1a; Zellweger leukodystrophy. Identifiers: MedGen C4721541, MONDO:0008953, OMIM 214100.
Peroxisome biogenesis disorder. Identifiers: Orphanet 79189, MedGen C1832200, MONDO:0019234. Disease mechanism: loss of function.

Submissions (4):

Fulgent Genetics
Classification: Likely pathogenic for Peroxisome biogenesis disorder 1A (Zellweger); Heimler syndrome 1; Peroxisome biogenesis disorder 1B. Last evaluated: 2024-03-01. Review status: criteria provided, single submitter. Criteria: ACMG Guidelines, 2015. Collection method: clinical testing. Allele origin: germline.

Labcorp Genetics (formerly Invitae), Labcorp
Classification: Pathogenic for Zellweger spectrum disorders. Last evaluated: 2024-01-12. Review status: criteria provided, single submitter. Criteria: Invitae Variant Classification Sherloc (09022015). Collection method: clinical testing. Allele origin: germline.
Comment: This sequence change creates a premature translational stop signal (p.Gln69*) in the PEX1 gene. It is expected to result in an absent or disrupted protein product. Loss-of-function variants in PEX1 are known to be pathogenic (PMID: 21031596, 26387595, 31831025). This variant is not present in population databases (gnomAD no frequency). This variant has not been reported in the literature in individuals affected with PEX1-related conditions. ClinVar contains an entry for this variant (Variation ID: 1726455). Algorithms developed to predict the effect of sequence changes on RNA splicing suggest that this variant may disrupt the consensus splice site. For these reasons, this variant has been classified as Pathogenic.

Baylor Genetics
Classification: Likely pathogenic for Heimler syndrome 1. Last evaluated: 2023-07-22. Review status: criteria provided, single submitter. Criteria: ACMG Guidelines, 2015. Collection method: clinical testing. Allele origin: unknown.

Myriad Genetics, Inc.
Classification: Likely pathogenic for Peroxisome biogenesis disorder. Last evaluated: 2022-03-06. Review status: criteria provided, single submitter. Criteria: Myriad Autosomal Dominant, Autosomal Recessive and X-Linked Classification Criteria (2023). Collection method: clinical testing. Allele origin: unknown.
Comment: NM_000466.2(PEX1):c.205C>T(Q69*) is expected to be pathogenic in the context of peroxisome biogenesis disorder type 1. This variant is predicted to lead to an abnormal or absent protein product due to the creation of a premature termination codon in PEX1, a gene where loss-of-function variants are known to be pathogenic. Please note: this variant was assessed in the context of healthy population screening.

Literature cited by the submitters: PubMed 21031596 (cited by Labcorp Genetics (formerly Invitae), Labcorp); PubMed 26387595 (cited by Labcorp Genetics (formerly Invitae), Labcorp); PubMed 31831025 (cited by Labcorp Genetics (formerly Invitae), Labcorp).